The following is an entry in ClinVar:

NM_033380.3(COL4A5):c.1136A>C (p.Gln379Pro)

Gene: COL4A5 (collagen type IV alpha 5 chain; plus strand). Cytogenetic location: Xq22.3.
Variant type: single nucleotide variant.
Coding change: c.1136A>C on transcript NM_033380.3 (MANE Select); coding-DNA position 1136, A replaced by C.
Protein change: p.Gln379Pro; replaces glutamine 379 with proline.
Molecular consequence: missense variant.
Genome position (GRCh38, 1-based): chrX:108,586,718, A>C. VCF-style: chrX-108586718-A-C. GRCh37 (hg19) VCF-style: chrX-107829948-A-C.
Other names: c.1136A>C, p.Gln379Pro (NM_000495.5); short protein forms Q379P.
Identifiers: ClinVar variation 3702646 (VCV003702646.2).
Genomic context (GRCh38, chrX:108,586,718, plus strand): 5'-GAAACATTGGGTTGCCTGGGTTGCCTGGAGAAAAAGGAGAGCGAGGATTTCCTGGAATAC[A>C]GGGTCCACCTGGCCTTCCTGGACCTCCAGGTAAATGAGATTGCATTTATGGCCTTGTTCT-3'
Protein context (NP_203699.1, residues 369-389): EKGERGFPGI[Gln379Pro]GPPGLPGPPG

ClinVar aggregate classification (germline): Uncertain significance (1 of 4 stars; one submission).

gnomAD v4.1: 2 of 1,208,255 alleles (0.00017%); highest among the groups gnomAD compares: Admixed American, 0.0044%; no homozygotes.

Submission:

Labcorp Genetics (formerly Invitae), Labcorp
Classification: Uncertain significance. Last evaluated: 2024-05-24. Review status: criteria provided, single submitter. Criteria: Invitae Variant Classification Sherloc (09022015). Collection method: clinical testing. Allele origin: germline.
Comment: This sequence change replaces glutamine, which is neutral and polar, with proline, which is neutral and non-polar, at codon 379 of the COL4A5 protein (p.Gln379Pro). This variant is not present in population databases (gnomAD no frequency). This variant has not been reported in the literature in individuals affected with COL4A5-related conditions. Advanced modeling of protein sequence and biophysical properties (such as structural, functional, and spatial information, amino acid conservation, physicochemical variation, residue mobility, and thermodynamic stability) performed at Invitae indicates that this missense variant is not expected to disrupt COL4A5 protein function with a negative predictive value of 95%. In summary, the available evidence is currently insufficient to determine the role of this variant in disease. Therefore, it has been classified as a Variant of Uncertain Significance.